The following is an entry in ClinVar:

NM_001283009.2(RTEL1):c.3261G>T (p.Lys1087Asn)

Genes: RTEL1 (regulator of telomere elongation helicase 1; plus strand), RTEL1-TNFRSF6B (RTEL1-TNFRSF6B readthrough (NMD candidate); plus strand). Cytogenetic location: 20q13.33.
Variant type: single nucleotide variant.
Coding change: c.3261G>T on transcript NM_001283009.2 (MANE Select); coding-DNA position 3261, G replaced by T.
Protein change: p.Lys1087Asn; replaces lysine 1087 with asparagine.
Molecular consequence: missense variant. On other transcripts: non-coding transcript variant (1).
Genome position (GRCh38, 1-based): chr20:63,694,892, G>T. VCF-style: chr20-63694892-G-T. GRCh37 (hg19) VCF-style: chr20-62326245-G-T.
Other names: c.2592G>T, p.Lys864Asn (NM_001283010.1); c.3261G>T, p.Lys1087Asn (NM_016434.4); c.3333G>T, p.Lys1111Asn (NM_032957.5); short protein forms K1111N, K1087N, K864N.
Identifiers: ClinVar variation 2929490 (VCV002929490.4), dbSNP rs200684186, ClinGen allele CA409685066.

ClinVar aggregate classification (germline): Uncertain significance. Review status: criteria provided, multiple submitters, no conflicts (2 of 4 stars). 2 submissions from 2 submitters: Uncertain significance (2). Last evaluated 2024-12-26.

Conditions:
Dyskeratosis congenita, autosomal recessive 5 (DKCB5). Identifiers: MedGen C3554656, MONDO:0014076, OMIM 615190.
Pulmonary fibrosis and/or bone marrow failure, Telomere-related, 3. Also called: PULMONARY FIBROSIS AND/OR BONE MARROW FAILURE SYNDROME, TELOMERE-RELATED, 3. Identifiers: Orphanet 2032, MedGen C4225346, MONDO:0014613, OMIM 616373.
Inborn genetic diseases. Identifiers: MedGen C0950123, MeSH D030342.

Allele frequency attached by ClinVar (database versions not stated): TOPMed below 0.00001; gnomAD 0.00001.

Submissions (2):

Ambry Genetics
Classification: Uncertain significance for Inborn genetic diseases. Last evaluated: 2024-12-26. Review status: criteria provided, single submitter. Criteria: Ambry Variant Classification Scheme 2023. Collection method: clinical testing. Allele origin: germline.
Comment: The p.K1087N variant (also known as c.3261G>T), located in coding exon 31 of the RTEL1 gene, results from a G to T substitution at nucleotide position 3261. The lysine at codon 1087 is replaced by asparagine, an amino acid with similar properties. This amino acid position is conserved. In addition, the in silico prediction for this alteration is inconclusive. Based on the available evidence, the clinical significance of this variant remains unclear.

Labcorp Genetics (formerly Invitae), Labcorp
Classification: Uncertain significance for Dyskeratosis congenita, autosomal recessive 5; Pulmonary fibrosis and/or bone marrow failure, Telomere-related, 3. Last evaluated: 2023-04-29. Review status: criteria provided, single submitter. Criteria: Invitae Variant Classification Sherloc (09022015). Collection method: clinical testing. Allele origin: germline.
Comment: In summary, the available evidence is currently insufficient to determine the role of this variant in disease. Therefore, it has been classified as a Variant of Uncertain Significance. An algorithm developed to predict the effect of missense changes on protein structure and function (PolyPhen-2) suggests that this variant is likely to be disruptive. This variant has not been reported in the literature in individuals affected with RTEL1-related conditions. This variant is not present in population databases (gnomAD no frequency). This sequence change replaces lysine, which is basic and polar, with asparagine, which is neutral and polar, at codon 1087 of the RTEL1 protein (p.Lys1087Asn).